The following is an entry in ClinVar:

NM_001329943.3(KIAA0586):c.322_326del (p.Glu108fs)

Gene: KIAA0586 (KIAA0586; plus strand). Cytogenetic location: 14q23.1.
Variant type: Deletion.
Coding change: c.322_326del on transcript NM_001329943.3 (MANE Select); coding-DNA positions 322 to 326, 5 bases deleted (GAGAA; older notation c.322_326delGAGAA).
Protein change: p.Glu108fs; shifts the reading frame from glutamic acid 108.
Molecular consequence: frameshift variant.
Genome position (GRCh38, 1-based): chr14:58,430,699-58,430,703, GAGAA deleted; deleting any 5 consecutive bases within chr14:58,430,695-58,430,703 gives the same sequence; the c. name uses the placement nearest the transcript's 3' end. VCF-style (leftmost placement, unchanged base first): chr14-58430694-TAGAAG-T. GRCh37 (hg19) VCF-style: chr14-58897412-TAGAAG-T.
Other names: c.358_362del, p.Glu120fs (NM_001244189.2); c.277_281del, p.Glu93fs (NM_001244190.2); c.67_71del, p.Glu23fs (NM_001244191.2, NM_001244192.2, NM_001329945.2 and 2 more transcripts); c.322_326del, p.Glu108fs (NM_001329944.2, NM_001329946.2, NM_001329947.2 and 1 more transcripts); short protein forms E108fs, E120fs, E23fs, E93fs.
Identifiers: ClinVar variation 4787217 (VCV004787217.1).

ClinVar aggregate classification (germline): Pathogenic (1 of 4 stars; one submission).

Conditions:
Short-rib thoracic dysplasia 14 with polydactyly (SRTD14). Identifiers: Orphanet 397715, MedGen C4225286, MONDO:0014688, OMIM 616546.
Joubert syndrome 23 (JBTS23). Identifiers: Orphanet 475, MedGen C4084822, MONDO:0014664, OMIM 616490.

Submission:

Labcorp Genetics (formerly Invitae), Labcorp
Classification: Pathogenic for Joubert syndrome 23; Short-rib thoracic dysplasia 14 with polydactyly. Last evaluated: 2026-01-08. Review status: criteria provided, single submitter. Criteria: Invitae Variant Classification Sherloc (09022015). Collection method: clinical testing. Allele origin: germline.
Comment: This sequence change creates a premature translational stop signal (p.Glu120Glnfs*7) in the KIAA0586 gene. It is expected to result in an absent or disrupted protein product. Loss-of-function variants in KIAA0586 are known to be pathogenic (PMID: 26096313, 26166481, 26386044). This variant is not present in population databases (gnomAD no frequency). This variant has not been reported in the literature in individuals affected with KIAA0586-related conditions. For these reasons, this variant has been classified as Pathogenic.

Literature cited by the submitters: PubMed 26096313; PubMed 26166481; PubMed 26386044.